The following is an entry in ClinVar:

NM_152703.5(SAMD9L):c.2591A>T (p.Lys864Met)

Gene: SAMD9L (sterile alpha motif domain containing 9 like; minus strand). Cytogenetic location: 7q21.2.
Variant type: single nucleotide variant.
Coding change: c.2591A>T on transcript NM_152703.5 (MANE Select); coding-DNA position 2591, A replaced by T.
Protein change: p.Lys864Met; replaces lysine 864 with methionine.
Molecular consequence: missense variant.
Genome position (GRCh38, 1-based): chr7:93,133,381, T>A on the plus strand (A>T on the coding strand, the complement: SAMD9L is on the minus strand). VCF-style: chr7-93133381-T-A. GRCh37 (hg19) VCF-style: chr7-92762694-T-A.
Other names: c.2591A>T, p.Lys864Met (NM_001303496.3, NM_001303497.3, NM_001303498.3 and 5 more transcripts); short protein forms K864M.
Identifiers: ClinVar variation 5028981 (VCV005028981.1).

ClinVar aggregate classification (germline): Uncertain significance (1 of 4 stars; one submission).

Conditions:
Inborn genetic diseases. Identifiers: MedGen C0950123, MeSH D030342.

Submission:

Ambry Genetics
Classification: Uncertain significance for Inborn genetic diseases. Last evaluated: 2026-08-31. Review status: criteria provided, single submitter. Criteria: Ambry Variant Classification Scheme 2023. Collection method: clinical testing. Allele origin: germline.
Comment: The p.K864M variant (also known as c.2591A>T), located in coding exon 1 of the SAMD9L gene, results from an A to T substitution at nucleotide position 2591. The lysine at codon 864 is replaced by methionine, an amino acid with similar properties. This amino acid position is conserved. In addition, this alteration is predicted to be tolerated by in silico analysis. Based on the available evidence, the clinical significance of this variant remains unclear.